The following is an entry in ClinVar:

NC_000009.11:g.(?_129454289)_(129455424_?)del

Gene: LMX1B (LIM homeobox transcription factor 1 beta; plus strand). Cytogenetic location: 9q33.3.
Variant type: Deletion.
Identifiers: ClinVar variation 3245311 (VCV003245311.1).

ClinVar aggregate classification (germline): Pathogenic (1 of 4 stars; one submission).

Submission:

Labcorp Genetics (formerly Invitae), Labcorp
Classification: Pathogenic. Last evaluated: 2022-11-08. Review status: criteria provided, single submitter. Criteria: Invitae Variant Classification Sherloc (09022015). Collection method: clinical testing. Allele origin: unknown.
Comment: For these reasons, this variant has been classified as Pathogenic. This variant has been observed in individual(s) with nail-patella syndrome (Invitae). This variant results in the deletion of part of exon 4 (c.559+942_563delinsGAAGAGTTT) of the LMX1B gene. It is expected to disrupt RNA splicing. Variants that disrupt the donor or acceptor splice site typically lead to a loss of protein function (PMID: 16199547), and loss-of-function variants in LMX1B are known to be pathogenic (PMID: 9590287, 15498463).

Literature cited by the submitters: PubMed 16199547; PubMed 9590287; PubMed 15498463.